The following is an entry in ClinVar:

NM_005515.4(MNX1):c.295G>C (p.Ala99Pro)

Gene: MNX1 (motor neuron and pancreas homeobox 1; minus strand). Cytogenetic location: 7q36.3.
Variant type: single nucleotide variant.
Coding change: c.295G>C on transcript NM_005515.4 (MANE Select); coding-DNA position 295, G replaced by C.
Protein change: p.Ala99Pro; replaces alanine 99 with proline.
Molecular consequence: missense variant.
Genome position (GRCh38, 1-based): chr7:157,010,056, C>G on the plus strand (G>C on the coding strand, the complement: MNX1 is on the minus strand). VCF-style: chr7-157010056-C-G. GRCh37 (hg19) VCF-style: chr7-156802750-C-G.
Other names: short protein forms A99P.
Identifiers: ClinVar variation 1444920 (VCV001444920.6), dbSNP rs1420295593, ClinGen allele CA370164851.

ClinVar aggregate classification (germline): Uncertain significance (1 of 4 stars; one submission).

Submission:

Labcorp Genetics (formerly Invitae), Labcorp
Classification: Uncertain significance. Last evaluated: 2021-08-12. Review status: criteria provided, single submitter. Criteria: Invitae Variant Classification Sherloc (09022015). Collection method: clinical testing. Allele origin: germline.
Comment: In summary, the available evidence is currently insufficient to determine the role of this variant in disease. Therefore, it has been classified as a Variant of Uncertain Significance. Algorithms developed to predict the effect of missense changes on protein structure and function are either unavailable or do not agree on the potential impact of this missense change (SIFT: "Tolerated"; PolyPhen-2: "Not Available"; Align-GVGD: "Class C0"). This variant has not been reported in the literature in individuals affected with MNX1-related conditions. The frequency data for this variant in the population databases is considered unreliable, as metrics indicate insufficient coverage at this position in the ExAC database. This sequence change replaces alanine with proline at codon 99 of the MNX1 protein (p.Ala99Pro). The alanine residue is weakly conserved and there is a small physicochemical difference between alanine and proline.